The following is an entry in ClinVar:

NM_001077365.2(POMT1):c.1699-19A>G

Gene: POMT1 (protein O-mannosyltransferase 1; plus strand). Cytogenetic location: 9q34.13.
Variant type: single nucleotide variant.
Coding change: c.1699-19A>G on transcript NM_001077365.2 (MANE Select); 19 bases into the intron before coding-DNA position 1699, A replaced by G.
Molecular consequence: intron variant.
Genome position (GRCh38, 1-based): chr9:131,521,327, A>G. VCF-style: chr9-131521327-A-G. GRCh37 (hg19) VCF-style: chr9-134396714-A-G.
Other names: c.1603-19A>G (NM_001353198.2, NM_001353197.2); c.1765-19A>G (NM_001353193.2, NM_007171.4); c.1699-19A>G (NM_001136113.2); c.1537-19A>G (NM_001353194.2, NM_001077366.2); c.1348-19A>G (NM_001374691.1, NM_001353195.2, NM_001374692.1 and 2 more transcripts); c.1480-19A>G (NM_001374690.1); c.1609-19A>G (NM_001353196.2); c.1309-19A>G (NM_001374695.1); and 3 more.
Identifiers: ClinVar variation 385078 (VCV000385078.10), dbSNP rs761855332, ClinGen allele CA5293796.

ClinVar aggregate classification (germline): Likely benign. Review status: criteria provided, multiple submitters, no conflicts (2 of 4 stars). 3 submissions from 3 submitters: Likely benign (3). Last evaluated 2026-01-19.

Conditions:
Autosomal recessive limb-girdle muscular dystrophy type 2K. Also called: MUSCULAR DYSTROPHY, LIMB-GIRDLE, TYPE 2K; MUSCULAR DYSTROPHY-DYSTROGLYCANOPATHY (LIMB-GIRDLE), TYPE C, 1. Identifiers: Orphanet 86812, MedGen C1836373, MONDO:0012248, OMIM 609308.
Walker-Warburg congenital muscular dystrophy. Also called: Muscular dystrophy-dystroglycanopathy, type A; Walker-Warburg syndrome. Identifiers: Orphanet 899, MedGen C0265221, MONDO:0000171.
Muscular dystrophy-dystroglycanopathy (congenital with impaired intellectual development), type B, 1. Also called: Muscular dystrophy-dystroglycanopathy (congenital with intellectual disability), type B1; MUSCULAR DYSTROPHY, CONGENITAL, POMT1-RELATED. Identifiers: MedGen C5436962, MONDO:0013159, OMIM 613155.
Muscular dystrophy-dystroglycanopathy (congenital with brain and eye anomalies), type A1 (MDDGA1). Also called: WALKER-WARBURG SYNDROME OR MUSCLE-EYE-BRAIN DISEASE, POMT1-RELATED; Hydrocephalus, agyria and retinal dysplasia; Hard +/- E syndrome; Warburg syndrome; Chemke syndrome; Pagon syndrome. Identifiers: Orphanet 588, Orphanet 899, MedGen C4284790, MONDO:0009364, OMIM 236670.

Allele frequency attached by ClinVar (database versions not stated): gnomAD 0.00002 and 0.00003; gnomAD exomes 0.00013 and 0.00028; TOPMed 0.00009; ExAC 0.00020.
gnomAD v4.1: 83 of 1,614,128 alleles (0.0051%); highest among the groups gnomAD compares: Admixed American, 0.13%; 1 homozygote.

Submissions (3):

Labcorp Genetics (formerly Invitae), Labcorp
Classification: Likely benign for Muscular dystrophy-dystroglycanopathy (congenital with impaired intellectual development), type B, 1; Walker-Warburg congenital muscular dystrophy; Autosomal recessive limb-girdle muscular dystrophy type 2K. Last evaluated: 2026-01-19. Review status: criteria provided, single submitter. Criteria: Invitae Variant Classification Sherloc (09022015). Collection method: clinical testing. Allele origin: germline.

Fulgent Genetics
Classification: Likely benign for Muscular dystrophy-dystroglycanopathy (congenital with brain and eye anomalies), type A1; Autosomal recessive limb-girdle muscular dystrophy type 2K; Muscular dystrophy-dystroglycanopathy (congenital with impaired intellectual development), type B, 1. Last evaluated: 2021-10-18. Review status: criteria provided, single submitter. Criteria: ACMG Guidelines, 2015. Collection method: clinical testing. Allele origin: unknown.

GeneDx
Classification: Likely benign. Last evaluated: 2016-04-04. Review status: criteria provided, single submitter. Criteria: GeneDx Variant Classification (06012015). Collection method: clinical testing. Allele origin: germline. Affected: yes.
Comment: This variant is considered likely benign or benign based on one or more of the following criteria: it is a conservative change, it occurs at a poorly conserved position in the protein, it is predicted to be benign by multiple in silico algorithms, and/or has population frequency not consistent with disease.